The following is an entry in ClinVar:

ClinVar aggregate classification (germline): Uncertain significance (1 of 4 stars; one submission).

Conditions:
Hereditary cancer-predisposing syndrome. Also called: Neoplastic Syndromes, Hereditary; Tumor predisposition; Hereditary neoplastic syndrome; Hereditary Cancer Syndrome. Identifiers: Orphanet 140162, MedGen C0027672, MeSH D009386, MONDO:0015356.

Submission:

Color Diagnostics, LLC DBA Color Health
Classification: Uncertain significance for Hereditary cancer-predisposing syndrome. Last evaluated: 2023-12-05. Review status: criteria provided, single submitter. Criteria: ACMG Guidelines, 2015. Collection method: clinical testing. Allele origin: germline.
Comment: This missense variant replaces methionine with isoleucine at codon 35 of the BMPR1A protein. Computational prediction suggests that this variant may not impact protein structure and function (internally defined REVEL score threshold <= 0.5, PMID: 27666373). To our knowledge, functional studies have not been reported for this variant. This variant has not been reported in individuals affected with BMPR1A-related disorders in the literature. This variant has not been identified in the general population by the Genome Aggregation Database (gnomAD). The available evidence is insufficient to determine the role of this variant in disease conclusively. Therefore, this variant is classified as a Variant of Uncertain Significance.

NM_004329.3(BMPR1A):c.105G>T (p.Met35Ile)

Gene: BMPR1A (bone morphogenetic protein receptor type 1A; plus strand). Cytogenetic location: 10q23.2.
Variant type: single nucleotide variant.
Coding change: c.105G>T on transcript NM_004329.3 (MANE Select); coding-DNA position 105, G replaced by T.
Protein change: p.Met35Ile; replaces methionine 35 with isoleucine.
Molecular consequence: missense variant.
Genome position (GRCh38, 1-based): chr10:86,890,099, G>T. VCF-style: chr10-86890099-G-T. GRCh37 (hg19) VCF-style: chr10-88649856-G-T.
Other names: short protein forms M35I.
Identifiers: ClinVar variation 628488 (VCV000628488.5), dbSNP rs1564714776, ClinGen allele CA377446403.